The following is an entry in ClinVar:

NM_000587.4(C7):c.1561C>A (p.Arg521Ser)

Gene: C7 (complement C7; plus strand). Cytogenetic location: 5p13.1.
Variant type: single nucleotide variant.
Coding change: c.1561C>A on transcript NM_000587.4 (MANE Select); coding-DNA position 1561, C replaced by A.
Protein change: p.Arg521Ser; replaces arginine 521 with serine.
Molecular consequence: missense variant.
Genome position (GRCh38, 1-based): chr5:40,959,520, C>A. VCF-style: chr5-40959520-C-A. GRCh37 (hg19) VCF-style: chr5-40959622-C-A.
Other names: C7, ARG499SER; R499S; c.1561C>A, p.Arg521Ser (LRG_30t1); short protein forms R521S.
Identifiers: ClinVar variation 12105 (VCV000012105.43), dbSNP rs121964920, ClinGen allele CA121892.

ClinVar aggregate classification (germline): Conflicting classifications of pathogenicity. Review status: criteria provided, conflicting classifications (1 of 4 stars). 20 submissions from 19 submitters: Pathogenic (8); Likely pathogenic (5); Uncertain significance (5). 2 of the submissions do not count toward it. Last evaluated 2026-03-27.

Conditions:
C7-related disorders.
C7-related disorder. Also called: C7-related condition.
Inborn genetic diseases. Identifiers: MedGen C0950123, MeSH D030342.
Complement component 7 deficiency (C7D). Also called: C7 DEFICIENCY. Identifiers: MedGen C1864694, MONDO:0012412, OMIM 610102.
C7 and C6 deficiency, combined subtotal. Identifiers: MedGen C4017564.

Allele frequency attached by ClinVar (database versions not stated): 1000 Genomes Project 30x 0.00078; 1000 Genomes Project 0.00100; TOPMed 0.00247.
gnomAD v4.1: 5,018 of 1,611,512 alleles (0.31%); highest among the groups gnomAD compares: Non-Finnish European, 0.38%; 16 homozygotes.

Submissions 1 to 10 of 20:

Ambry Genetics
Classification: Pathogenic for Inborn genetic diseases. Last evaluated: 2026-03-27. Review status: criteria provided, single submitter. Criteria: Ambry Variant Classification Scheme 2023. Collection method: clinical testing. Allele origin: germline.
Comment: The c.1561C>A (p.R521S) alteration is located in exon 12 (coding exon 12) of the C7 gene. This alteration results from a C to A substitution at nucleotide position 1561, causing the arginine (R) at amino acid position 521 to be replaced by a serine (S). Based on data from gnomAD, the A allele has an overall frequency of 0.235% (655/278228) total alleles studied. The highest observed frequency was 0.414% (526/127222) of European (non-Finnish) alleles. This variant has been identified in the homozygous state and/or in conjunction with other C7 variant(s) in individual(s) with features consistent with C7 deficiency; in at least one instance, the variants were identified in trans (Kuijpers, 2010; Rameix-Welti, 2007; Barroso, 2006; Fernie, 1998). This amino acid position is highly conserved in available vertebrate species. This alteration is predicted to be deleterious by in silico analysis. Based on the available evidence, this alteration is classified as pathogenic.

Dasa
Classification: Pathogenic. Last evaluated: 2026-02-26. Review status: criteria provided, single submitter. Criteria: DASA Assertion Criteria. Collection method: clinical testing. Allele origin: germline.
Comment: NM_000587.4(C7):c.1561C>A (p.Arg521Ser) introduces an arginine-to-serine substitution. Functional studies support a damaging effect on complement activity (PMID: 17407100). The variant has been reported in multiple individuals with complement component 7 deficiency (PMIDs: 8871666, 16771861, 19931914) and is present at low frequency in population datasets. Based on the available data, this variant is classified as pathogenic.

PreventionGenetics, part of Exact Sciences
Classification: Uncertain significance for C7-related condition. Last evaluated: 2025-10-06. Review status: criteria provided, single submitter. Criteria: ACMG Guidelines, 2015. Collection method: clinical testing. Allele origin: germline.
Comment: The C7 c.1561C>A variant is predicted to result in the amino acid substitution p.Arg521Ser. This variant is alternatively referred to as p.Arg499Ser using legacy nomenclature or as allele C7SD. This variant has been reported in the homozygous state in two unrelated individuals with combined complement component 6- (C6D) and complement component 7- (C7D) deficiency (referred to as C7 exon 11 mutation, Fig. 2, Family 1, Subject II.1 and Fig. 3, Family 2, Subject I.1, Fernie et al. 1996. PubMed ID: 8871666). Of note, one of these individuals was also homozygous for a splicing variant in the C6 gene. It has been reported in the heterozygous state along with a second truncating variant in C7 in individual with complement deficiencies (Fig. 1, Barroso et al. 2006. PubMed ID: 16771861; Sanges et al. 2017. PubMed ID: 28192236). This variant has been reported in the heterozygous state in two siblings with C7D (Fig. 7, Family 6, Subjects II.1 and 11.2, Fernie et al. 1996. PubMed ID: 8871666), in individuals with terminal complement pathway deficiency (Table S1, Rosain et al. 2017. PubMed ID: 28368462; Table 3, El Sissy et al. 2019. PubMed ID: 31440263), and in an individual with a inborn error of immunity (Table 1, Grossi et al. 2021. PubMed ID: 34573280). However, this variant has also been reported in the heterozygous state in individuals without C7D and is a common homozygous finding in the Turkish population (Fig. 2-4, 6, and 7, Fernie et al. 1996. PubMed ID: 8871666; Table S1, Capalbo et al. 2019. PubMed ID: 31589614; Hou et al. 2020. PubMed ID: 31980526; Table S4, Kars. 2021. PubMed ID: 34426522). This variant is reported in 0.41% of alleles in individuals of European (Non-Finnish) descent in gnomAD including one homozygous finding. At this time, the clinical significance of this variant is uncertain due to the absence of conclusive functional and genetic evidence.

GeneDx
Classification: Pathogenic. Last evaluated: 2025-09-15. Review status: criteria provided, single submitter. Criteria: GeneDx Variant Classification Process June 2021. Collection method: clinical testing. Allele origin: germline. Affected: yes.
Comment: Published functional studies demonstrate a loss of function of C7 due to the defective folding of the protein (PMID: 17407100); In silico analysis supports that this missense variant has a deleterious effect on protein structure/function; Also known as R499S; This variant is associated with the following publications: (PMID: 28192236, 8871666, 31980526, 16771861, 17407100, 31440263, 31589614, 34573280, 34426522, 28368462, 35899558, 39081726, 39062917, 38096369)

Center for Genomic Medicine, Rigshospitalet, Copenhagen University Hospital
Classification: Uncertain significance. Last evaluated: 2025-03-04. Review status: criteria provided, single submitter. Criteria: ACMG Guidelines, 2015. Collection method: clinical testing. Allele origin: germline.

Blueprint Genetics
Classification: Pathogenic for C7-related disorders. Last evaluated: 2024-11-19. Review status: criteria provided, single submitter. Criteria: ACMG Guidelines, 2015. Collection method: clinical testing. Allele origin: germline. Affected: yes. Observed: 5 variant alleles.

Fulgent Genetics
Classification: Uncertain significance for Complement component 7 deficiency. Last evaluated: 2024-04-10. Review status: criteria provided, single submitter. Criteria: ACMG Guidelines, 2015. Collection method: clinical testing. Allele origin: germline.

3billion
Classification: Likely pathogenic for Complement component 7 deficiency. Last evaluated: 2023-11-29. Review status: criteria provided, single submitter. Criteria: ACMG Guidelines, 2015. Collection method: clinical testing. Allele origin: germline. Affected: yes.
Comment: The variant is observed at an extremely low frequency in the gnomAD v2.1.1 dataset (total allele frequency: 0.235%). Predicted Consequence/Location: The majority of the known disease-causing variants of this gene are variants expected to result in premature termination of the protein. Premature termination of the protein is a common disease-causing mechanism for this gene. In silico tool predictions suggest damaging effect of the variant on gene or gene product [3Cnet: 0.78 (>=0.6, sensitivity 0.72 and precision 0.9)]. Same nucleotide change resulting in same amino acid change has been previously reported as pathogenic/likely pathogenic with strong evidence (ClinVar ID: VCV000012105 /PMID: 8871666). Therefore, this variant is classified as Likely pathogenic according to the recommendation of ACMG/AMP guideline.

ARUP Laboratories, Molecular Genetics and Genomics, ARUP Laboratories
Classification: Likely pathogenic for Complement component 7 deficiency. Last evaluated: 2023-11-02. Review status: criteria provided, single submitter. Criteria: ARUP Molecular Germline Variant Investigation Process 2024. Collection method: clinical testing. Allele origin: germline.
Comment: The C7 c.1561C>A; p.Arg521Ser variant (rs121964920) is reported in several individuals with C7 deficiency who also carried a truncating C7 variant (Barroso 2006, Sanges 2017). The variant is reported in the ClinVar database (Variation ID: 12105) and is found in the general population with an overall allele frequency of 0.2% (655/278,228 alleles, including 1 homozygote) in the Genome Aggregation Database (v2.1.1). Computational analyses are uncertain whether this variant is neutral or deleterious (REVEL: 0.399). Based on available information, this variant is classified as likely pathogenic. References: Barroso S et al. Molecular defects of the C7 gene in two patients with complement C7 deficiency. Immunology. 2006 Jun;118(2):257-60. Sanges S et al. Diagnosis of primary antibody and complement deficiencies in young adults after a first invasive bacterial infection. Clin Microbiol Infect. 2017 Aug;23(8):576.e1-576.e5.

Intergen Genetics and Rare Diseases Diagnosis Center
Classification: Pathogenic for Complement component 7 deficiency. Last evaluated: 2023-08-28. Review status: criteria provided, single submitter. Criteria: ACMG Guidelines, 2015. Collection method: clinical testing. Allele origin: unknown. Inheritance: Autosomal recessive inheritance. Observed: 1 heterozygote.